The following is an entry in ClinVar:

NM_015629.4(PRPF31):c.527+1G>A

Gene: PRPF31 (pre-mRNA processing factor 31; plus strand). Cytogenetic location: 19q13.42.
Variant type: single nucleotide variant.
Coding change: c.527+1G>A on transcript NM_015629.4 (MANE Select); the canonical splice donor site of the intron after coding-DNA position 527, G replaced by A.
Molecular consequence: splice donor variant.
Genome position (GRCh38, 1-based): chr19:54,123,561, G>A. VCF-style: chr19-54123561-G-A. GRCh37 (hg19) VCF-style: chr19-54626940-G-A.
Identifiers: ClinVar variation 2122522 (VCV002122522.5), dbSNP rs1057517982, ClinGen allele CA407750416.

ClinVar aggregate classification (germline): Pathogenic/Likely pathogenic. Review status: criteria provided, multiple submitters, no conflicts (2 of 4 stars). 2 submissions from 2 submitters: Pathogenic (1); Likely pathogenic (1). Last evaluated 2023-08-29.

Conditions:
PRPF31-related disorder. Also called: PRPF31-related condition.

Submissions (2):

Blueprint Genetics
Classification: Likely pathogenic for PRPF31-related disorders. Last evaluated: 2023-08-29. Review status: criteria provided, single submitter. Criteria: ACMG Guidelines, 2015. Collection method: clinical testing. Allele origin: germline. Affected: yes. Observed: 1 variant allele.

Labcorp Genetics (formerly Invitae), Labcorp
Classification: Pathogenic. Last evaluated: 2022-11-05. Review status: criteria provided, single submitter. Criteria: Invitae Variant Classification Sherloc (09022015). Collection method: clinical testing. Allele origin: germline.
Comment: This sequence change affects a donor splice site in intron 6 of the PRPF31 gene. RNA analysis indicates that disruption of this splice site induces altered splicing and may result in an absent or disrupted protein product. For these reasons, this variant has been classified as Pathogenic. Studies have shown that disruption of this splice site results in the retention of intron 6 and introduces a premature termination codon (PMID: 16917484). The resulting mRNA is expected to undergo nonsense-mediated decay. Disruption of this splice site has been observed in individual(s) with retinitis pigmentosa (PMID: 16917484). It has also been observed to segregate with disease in related individuals. This variant is not present in population databases (gnomAD no frequency).

Literature cited by the submitters: PubMed 16917484 (cited by Labcorp Genetics (formerly Invitae), Labcorp).